The following is an entry in ClinVar:

NM_015021.3(ZNF292):c.6113T>C (p.Val2038Ala)

Gene: ZNF292 (zinc finger protein 292; plus strand). Cytogenetic location: 6q14.3.
Variant type: single nucleotide variant.
Coding change: c.6113T>C on transcript NM_015021.3 (MANE Select); coding-DNA position 6113, T replaced by C.
Protein change: p.Val2038Ala; replaces valine 2038 with alanine.
Molecular consequence: missense variant.
Genome position (GRCh38, 1-based): chr6:87,259,742, T>C. VCF-style: chr6-87259742-T-C. GRCh37 (hg19) VCF-style: chr6-87969460-T-C.
Other names: c.5693T>C, p.Val1898Ala (NM_001351444.2); short protein forms V2038A, V1898A.
Identifiers: ClinVar variation 4635163 (VCV004635163.1).

ClinVar aggregate classification (germline): Uncertain significance (1 of 4 stars; one submission).

Conditions:
Inborn genetic diseases. Identifiers: MedGen C0950123, MeSH D030342.

gnomAD v4.1: 1 of 1,603,582 alleles (0.000062%); highest among the groups gnomAD compares: Non-Finnish European, 0.000085%; no homozygotes.

Submission:

Ambry Genetics
Classification: Uncertain significance for Inborn genetic diseases. Last evaluated: 2025-11-13. Review status: criteria provided, single submitter. Criteria: Ambry Variant Classification Scheme 2023. Collection method: clinical testing. Allele origin: germline.
Comment: The c.6113T>C (p.V2038A) alteration is located in exon 8 (coding exon 8) of the ZNF292 gene. This alteration results from a T to C substitution at nucleotide position 6113, causing the valine (V) at amino acid position 2038 to be replaced by an alanine (A). Based on data from gnomAD, the C allele has an overall frequency of <0.001% (1/227722) total alleles studied. The highest observed frequency was 0.001% (1/101544) of European (non-Finnish) alleles. Based on insufficient or conflicting evidence, the clinical significance of this alteration remains unclear.